The following is an entry in ClinVar:

ClinVar aggregate classification (germline): Pathogenic. Review status: criteria provided, multiple submitters, no conflicts (2 of 4 stars). 5 submissions from 5 submitters: Pathogenic (5). Last evaluated 2025-07-25.

Conditions:
Hereditary spastic paraplegia 4. Also called: Spastic paraplegia 4, autosomal dominant; Familial spastic paraplegia autosomal dominant 2; Spastic Paraplegia 4. Identifiers: Orphanet 100985, MedGen C1866855, MONDO:0008438, OMIM 182601.

Submissions (5):

GeneDx
Classification: Pathogenic. Last evaluated: 2025-07-25. Review status: criteria provided, single submitter. Criteria: GeneDx Variant Classification Process June 2021. Collection method: clinical testing. Allele origin: germline. Affected: yes.
Comment: Frameshift variant predicted to result in protein truncation or nonsense mediated decay in a gene for which loss of function is a known mechanism of disease; Not observed at significant frequency in large population cohorts (gnomAD); This variant is associated with the following publications: (PMID: 12124993, 26671083, 29980238, 17598599, 19289482, 18701882, 17594340, 15841487, 34983064, 35472722, 10699187)

Athena Diagnostics
Classification: Pathogenic. Last evaluated: 2025-04-17. Review status: criteria provided, single submitter. Criteria: Athena Diagnostics Criteria. Collection method: clinical testing. Allele origin: unknown.
Comment: This variant is expected to result in the loss of a functional protein. This variant has not been reported in large, multi-ethnic general populations. This variant has been identified in multiple unrelated individuals with clinical features associated with this gene and segregates with disease in at least one family. In some published literature, this variant is referred to as c.1212_1216del and 1340del5.

Labcorp Genetics (formerly Invitae), Labcorp
Classification: Pathogenic for Hereditary spastic paraplegia 4. Last evaluated: 2024-05-01. Review status: criteria provided, single submitter. Criteria: Invitae Variant Classification Sherloc (09022015). Collection method: clinical testing. Allele origin: germline.
Comment: This sequence change creates a premature translational stop signal (p.Asn405Lysfs*36) in the SPAST gene. It is expected to result in an absent or disrupted protein product. Loss-of-function variants in SPAST are known to be pathogenic (PMID: 20932283). This variant is not present in population databases (gnomAD no frequency). This premature translational stop signal has been observed in individuals with hereditary spastic paraplegia (PMID: 10699187, 15841487, 17594340, 17598599, 18701882, 19289482, 26671083). It has also been observed to segregate with disease in related individuals. This variant is also known as c.1340_1344delTATAA or 1340del5. ClinVar contains an entry for this variant (Variation ID: 468562). For these reasons, this variant has been classified as Pathogenic.

CeGaT Center for Human Genetics Tuebingen
Classification: Pathogenic. Last evaluated: 2017-11-01. Review status: criteria provided, single submitter. Criteria: CeGaT Center For Human Genetics Tuebingen Variant Classification Criteria Version 2. Collection method: clinical testing. Allele origin: germline. Affected: yes. Observed: 1 variant allele.

Paris Brain Institute, Inserm - ICM
Classification: Pathogenic for Hereditary spastic paraplegia 4. Review status: criteria provided, single submitter. Criteria: ACMG Guidelines, 2015. Collection method: clinical testing. Allele origin: unknown. Affected: yes. Observed: 1 variant allele.

Literature cited by the submitters: PubMed 38145127 (cited by Athena Diagnostics); PubMed 15482961 (cited by Athena Diagnostics); PubMed 30476002 (cited by Athena Diagnostics); PubMed 24824479 (cited by Athena Diagnostics); PubMed 33598982 (cited by Athena Diagnostics); PubMed 35487127 (cited by Athena Diagnostics); PubMed 10699187 (cited by Athena Diagnostics and Labcorp Genetics (formerly Invitae), Labcorp); PubMed 12124993 (cited by Athena Diagnostics); PubMed 26671083 (cited by Athena Diagnostics and Labcorp Genetics (formerly Invitae), Labcorp); PubMed 20932283 (cited by Athena Diagnostics and Labcorp Genetics (formerly Invitae), Labcorp); PubMed 19289482 (cited by Athena Diagnostics and Labcorp Genetics (formerly Invitae), Labcorp); PubMed 18701882 (cited by Athena Diagnostics and Labcorp Genetics (formerly Invitae), Labcorp); PubMed 17598599 (cited by Athena Diagnostics and Labcorp Genetics (formerly Invitae), Labcorp); PubMed 17594340 (cited by Athena Diagnostics and Labcorp Genetics (formerly Invitae), Labcorp); PubMed 15841487 (cited by Athena Diagnostics and Labcorp Genetics (formerly Invitae), Labcorp); PubMed 34937161 (cited by Athena Diagnostics).

NM_014946.4(SPAST):c.1215_1219del (p.Asn405fs)

Gene: SPAST (spastin; plus strand). Cytogenetic location: 2p22.3.
Variant type: Deletion.
Coding change: c.1215_1219del on transcript NM_014946.4 (MANE Select); coding-DNA positions 1215 to 1219, 5 bases deleted (TATAA; older notation c.1215_1219delTATAA).
Protein change: p.Asn405fs; shifts the reading frame from asparagine 405.
Molecular consequence: frameshift variant.
Genome position (GRCh38, 1-based): chr2:32,128,449-32,128,453, TATAA deleted; deleting any 5 consecutive bases within chr2:32,128,446-32,128,453 gives the same sequence; the c. name uses the placement nearest the transcript's 3' end. VCF-style (leftmost placement, unchanged base first): chr2-32128445-TTAATA-T. GRCh37 (hg19) VCF-style: chr2-32353514-TTAATA-T.
Other names: c.1212_1216del, p.Asn404fs (NM_001363823.2); c.1116_1120del, p.Asn372fs (NM_001363875.2); c.1119_1123del, p.Asn373fs (NM_001377959.1, NM_199436.2); c.1215_1219delTATAA (NM_014946.3); short protein forms N372fs, N404fs, N405fs, N373fs.
Identifiers: ClinVar variation 468562 (VCV000468562.54), dbSNP rs1553317032, ClinGen allele CA658657023.